The following is an entry in ClinVar:

NM_001142864.4(PIEZO1):c.1188G>A (p.Arg396=)

Genes: HSALR1 (HSP90AB1 associated lncRNA 1; plus strand), PIEZO1 (piezo type mechanosensitive ion channel component 1 (Er blood group); minus strand), LOC130059751 (ATAC-STARR-seq lymphoblastoid silent region 7872; plus strand). Cytogenetic location: 16q24.3.
Variant type: single nucleotide variant.
Coding change: c.1188G>A on transcript NM_001142864.4 (MANE Select); coding-DNA position 1188, G replaced by A.
Protein change: p.Arg396=; no amino-acid change (arginine 396 retained).
Molecular consequence: synonymous variant.
Genome position (GRCh38, 1-based): chr16:88,737,566, C>T on the plus strand (G>A on the coding strand, the complement: PIEZO1 is on the minus strand). VCF-style: chr16-88737566-C-T. GRCh37 (hg19) VCF-style: chr16-88803974-C-T.
Identifiers: ClinVar variation 3067348 (VCV003067348.21), dbSNP rs920394277, ClinGen allele CA286435053.
Genomic context (GRCh38, chr16:88,737,566, plus strand): 5'-GCCTCCGCCCCGCCCCCCGCACCCAGCCATACCTTGCAGTGTGCGGTACTCACCAGGCCG[C>T]CGCAGGACGGAGCTCTGGCCGGTCAGCTCGTGCACGATGCAGTTATCAGCCTCGGTGTCG-3'
Protein context (NP_001136336.2, residues 386-406): HELTGQSSVL[Arg396=]RPVRPKRAEP

ClinVar aggregate classification (germline): Likely benign (1 of 4 stars; one submission).

gnomAD v4.1: 16 of 1,532,912 alleles (0.001%); highest among the groups gnomAD compares: South Asian, 0.006%; no homozygotes.

Submission:

CeGaT Center for Human Genetics Tuebingen
Classification: Likely benign. Last evaluated: 2024-03-01. Review status: criteria provided, single submitter. Criteria: CeGaT Center For Human Genetics Tuebingen Variant Classification Criteria Version 2. Collection method: clinical testing. Allele origin: germline. Affected: yes. Observed: 1 variant allele.
Comment: PIEZO1: BP4, BP7